The following is an entry in ClinVar:

ClinVar aggregate classification (germline): Likely benign (0 of 4 stars; one submission).

Conditions:
NRP2-related disorder. Also called: NRP2-related condition.

Allele frequency attached by ClinVar (database versions not stated): gnomAD exomes below 0.00001; TOPMed below 0.00001; gnomAD 0.00001.
gnomAD v4.1: 3 of 1,613,128 alleles (0.00019%); highest among the groups gnomAD compares: Non-Finnish European, 0.00025%; no homozygotes.

Submission:

PreventionGenetics, part of Exact Sciences
Classification: Likely benign for NRP2-related condition. Last evaluated: 2022-04-11. Review status: no assertion criteria provided. Collection method: clinical testing. Allele origin: germline.
Comment: This variant is classified as likely benign based on ACMG/AMP sequence variant interpretation guidelines (Richards et al. 2015 PMID: 25741868, with internal and published modifications).

NM_003872.3(NRP2):c.2425+9489C>A

Gene: NRP2 (neuropilin 2; plus strand). Cytogenetic location: 2q33.3.
Variant type: single nucleotide variant.
Coding change: c.2425+9489C>A on transcript NM_003872.3 (MANE Select); 9489 bases into the intron after coding-DNA position 2425, C replaced by A.
Molecular consequence: intron variant. On other transcripts: synonymous variant (2).
Genome position (GRCh38, 1-based): chr2:205,776,292, C>A. VCF-style: chr2-205776292-C-A. GRCh37 (hg19) VCF-style: chr2-206641016-C-A.
Other names: c.2487C>A, p.Pro829= (NM_018534.4); c.2472C>A, p.Pro824= (NM_201267.2); c.2440+9474C>A (NM_201266.2); c.2425+9489C>A (NM_201279.2).
Identifiers: ClinVar variation 3059668 (VCV003059668.2), dbSNP rs2058096650, ClinGen allele CA1041559983.
Genomic context (GRCh38, chr2:205,776,292, plus strand): 5'-TGTCTCTCCACCAGGGGGCACCCTCCTGCCAGGGACCGAGCCCACAGTGGACACGGTGCC[C>A]ATGCAGCCCATCCCAGCCTACTGGTATTACGTAATGGCCGCCGGGGGCGCCGTGCTGGTG-3'